The following is an entry in ClinVar:

NM_002230.4(JUP):c.909+1del

Gene: JUP (junction plakoglobin; minus strand). Cytogenetic location: 17q21.2.
Variant type: Deletion.
Coding change: c.909+1del on transcript NM_002230.4 (MANE Select); the canonical splice donor site of the intron after coding-DNA position 909, one base deleted (G; older notation c.909+1delG).
Molecular consequence: splice donor variant.
Genome position (GRCh38, 1-based): chr17:41,767,378, C deleted on the plus strand (G on the coding strand, the reverse complement: JUP is on the minus strand); the first of 2 consecutive C bases (chr17:41,767,378-41,767,379); deleting either gives the same sequence. VCF-style (leftmost placement, unchanged base first): chr17-41767377-AC-A. GRCh37 (hg19) VCF-style: chr17-39923629-AC-A.
Other names: c.909+1del (NM_001352774.2, NM_021991.4, NM_001352776.2 and 3 more transcripts).
Identifiers: ClinVar variation 2563205 (VCV002563205.2), dbSNP rs2544159874, ClinGen allele CA2580613133.
Genomic context (GRCh38, chr17:41,767,377, plus strand): 5'-TGCAGGATAGAAGATGGCGCAAGGGTGGGCTTCAGGCCTCGGGAGAGTTGGGGAGGGCCC[AC>A]CTTGCTCTCCTGGTTGCCGTAGGCCAGGAGCTGCAGGCAGTCGGTGGTGATGGCCAGGAA-3'

ClinVar aggregate classification (germline): Uncertain significance (1 of 4 stars; one submission).

Conditions:
Cardiovascular phenotype. Identifiers: MedGen CN230736.

Submission:

Ambry Genetics
Classification: Uncertain significance for Cardiovascular phenotype. Last evaluated: 2023-04-24. Review status: criteria provided, single submitter. Criteria: Ambry Variant Classification Scheme 2023. Collection method: clinical testing. Allele origin: germline.
Comment: The c.909+1delG intronic variant, located in intron 4 of the JUP gene, results from a deletion of one nucleotide within intron 4 of the JUP gene. This nucleotide position is highly conserved in available vertebrate species. In silico splice site analysis predicts that this alteration will weaken the native splice donor site and will result in the creation or strengthening of a novel splice donor site. Alterations that disrupt the canonical splice site are expected to cause aberrant splicing, resulting in an abnormal protein or a transcript that is subject to nonsense-mediated mRNA decay. Although biallelic loss of function alterations in JUP have been associated with autosomal recessive Naxos disease, haploinsufficiency for JUP has not been clearly established as a mechanism of disease for autosomal dominant arrhythmogenic right ventricular cardiomyopathy. Since supporting evidence is limited at this time, the clinical significance of this alteration remains unclear.